The following is an entry in ClinVar:

NC_012920.1(MT-ND5):m.12544A>G

Gene: MT-ND5 (mitochondrially encoded NADH dehydrogenase 5; plus strand).
Variant type: single nucleotide variant.
Genome position: chrM-12544-A-G.
Identifiers: ClinVar variation 693460 (VCV000693460.2), dbSNP rs1603223798, ClinGen allele CA414813690.

ClinVar aggregate classification (germline): Uncertain significance. Review status: reviewed by expert panel (3 of 4 stars). 2 submissions from 2 submitters: Uncertain significance (1). 1 of the submissions does not count toward it. Last evaluated 2021-12-10.

Conditions:
Leigh syndrome (NULS). Also called: Leigh's syndrome; Leigh Disease; Subacute necrotizing encephalopathy; Necrotizing encephalopathy infantile subacute of Leigh; LEIGH SYNDROME, NUCLEAR; Leigh's necrotizing encephalopathy. Identifiers: Orphanet 506, MedGen C2931891, MONDO:0009723, OMIM 256000.
Mitochondrial disease. Also called: Mitochondrial disorder; Mitochondrial disorders. Identifiers: Orphanet 68380, MedGen C0751651, MeSH D028361, MONDO:0044970.

Submissions (2):

ClinGen Mitochondrial Disease Nuclear and Mitochondrial  Variant Curation Expert Panel, ClinGen
Classification: Uncertain significance for Mitochondrial disease. Last evaluated: 2021-12-10. Review status: reviewed by expert panel. Criteria: clingen mito disease acmg specifications v1-1. Collection method: curation. Allele origin: germline. Inheritance: Mitochondrial inheritance.
Comment: The m.12544A>G (p.T70A) variant in MT-ND5 was reviewed by the Mitochondrial Disease Nuclear and Mitochondrial Variant Curation Expert Panel as part of the variant pilot for mitochondrial DNA variant specifications (McCormick et al., 2020; PMID: 32906214). There have been no affected individuals reported in the medical literature to our knowledge. There are no large families reported in the medical literature to consider for evidence of segregation. There are two occurrences in the GenBank sequences queried through MITOMAP on 6/29/2020 (1 individual from haplogroup U2e and 1 from L2a). In silico tools (APOGEE) predict this variant to be neutral (score of 0.39, BP4). There are no cybrid or single fiber studies reported on this variant. In summary, this variant meets criteria to be classified as uncertain significance for primary mitochondrial disease inherited in a mitochondrial manner. This classification was approved by the NICHD U24 Mitochondrial Disease Variant Curation Expert Panel as of August 20, 2020. Mitochondrial DNA-specific ACMG/AMP criteria applied: BP4.

Wong Mito Lab, Molecular and Human Genetics, Baylor College of Medicine
Classification: Uncertain significance for Leigh syndrome. Last evaluated: 2019-10-17. Review status: criteria provided, single submitter. Criteria: Modified ACMG Guidelines (Unpublished). Collection method: clinical testing. Allele origin: germline. Not counted in ClinVar's aggregate classification.
Comment: The NC_012920.1:m.12544A>G (YP_003024036.1:p.Thr70Ala) variant in MTND5 gene is interpretated to be a Uncertain Significance variant based on the modified ACMG guidelines (unpublished). This variant meets the following evidence codes: BP4